The following is an entry in ClinVar:

ClinVar aggregate classification (germline): Pathogenic (1 of 4 stars; one submission).

Conditions:
Pyruvate dehydrogenase E3 deficiency (DLDD). Also called: MAPLE SYRUP URINE DISEASE, TYPE III; Dihydrolipoamide Dehydrogenase Deficiency; Dihydrolipoamide Dehydrogenase (E3) Deficiency; Lipoamide dehydrogenase deficiency, lactic acidosis due to; Lipoamide dehydrogenase deficiency; DLD DEFICIENCY. Identifiers: Orphanet 2394, Orphanet 765, MedGen C5574660, MONDO:0009529, OMIM 246900.

Submission:

Labcorp Genetics (formerly Invitae), Labcorp
Classification: Pathogenic for Pyruvate dehydrogenase E3 deficiency. Last evaluated: 2019-03-01. Review status: criteria provided, single submitter. Criteria: Invitae Variant Classification Sherloc (09022015). Collection method: clinical testing. Allele origin: germline.
Comment: For these reasons, this variant has been classified as Pathogenic. Loss-of-function variants in DLD are known to be pathogenic (PMID: 8968745, 9934985). This variant has not been reported in the literature in individuals with DLD-related conditions. This variant is not present in population databases (ExAC no frequency). This sequence change creates a premature translational stop signal (p.Gly103Valfs*6) in the DLD gene. It is expected to result in an absent or disrupted protein product.

Literature cited by the submitters: PubMed 8968745; PubMed 9934985.

NM_000108.5(DLD):c.308_310delinsT (p.Gly103fs)

Gene: DLD (dihydrolipoamide dehydrogenase; plus strand). Cytogenetic location: 7q31.1.
Variant type: Indel.
Coding change: c.308_310delinsT on transcript NM_000108.5 (MANE Select); coding-DNA positions 308 to 310, GAA replaced by T.
Protein change: p.Gly103fs; shifts the reading frame from glycine 103.
Molecular consequence: frameshift variant.
Genome position (GRCh38, 1-based): chr7:107,903,518-107,903,520, GAA replaced by T. VCF-style: chr7-107903518-GAA-T. GRCh37 (hg19) VCF-style: chr7-107543963-GAA-T.
Other names: c.11_13delinsT, p.Gly4fs (NM_001289750.1); c.239_241delinsT, p.Gly80fs (NM_001289751.1); c.308_310delinsT, p.Gly103fs (NM_001289752.1); short protein forms G103fs, G80fs, G4fs.
Identifiers: ClinVar variation 969750 (VCV000969750.6), dbSNP rs2031929480, ClinGen allele CA1139660036.